The following is an entry in ClinVar:

NM_004631.5(LRP8):c.76_77insGGC (p.Gln25_Leu26insArg)

Genes: LRP8 (LDL receptor related protein 8; minus strand), LOC129930568 (ATAC-STARR-seq lymphoblastoid silent region 908; plus strand). Cytogenetic location: 1p32.3.
Variant type: Insertion.
Coding change: c.76_77insGGC on transcript NM_004631.5 (MANE Select); coding-DNA positions 76 to 77, GGC inserted.
Protein change: p.Gln25_Leu26insArg.
Genome position: GRCh38 VCF-style: chr1-53327836-A-AGCC. GRCh37 (hg19) VCF-style: chr1-53793508-A-AGCC.
Other names: c.76_77insGGC, p.Gln25_Leu26insArg (NM_001018054.3, NM_017522.5, NM_033300.4).
Identifiers: ClinVar variation 3037407 (VCV003037407.2), dbSNP rs759395062, ClinGen allele CA860540.

ClinVar aggregate classification (germline): Likely benign (0 of 4 stars; one submission).

Conditions:
LRP8-related disorder. Also called: LRP8-related condition.

Submission:

PreventionGenetics, part of Exact Sciences
Classification: Likely benign for LRP8-related condition. Last evaluated: 2021-10-19. Review status: no assertion criteria provided. Collection method: clinical testing. Allele origin: germline.
Comment: This variant is classified as likely benign based on ACMG/AMP sequence variant interpretation guidelines (Richards et al. 2015 PMID: 25741868, with internal and published modifications).